The following is an entry in ClinVar:

NM_004793.4(LONP1):c.1909T>G (p.Cys637Gly)

Gene: LONP1 (lon peptidase 1, mitochondrial; minus strand). Cytogenetic location: 19p13.3.
Variant type: single nucleotide variant.
Coding change: c.1909T>G on transcript NM_004793.4 (MANE Select); coding-DNA position 1909, T replaced by G.
Protein change: p.Cys637Gly; replaces cysteine 637 with glycine.
Molecular consequence: missense variant. On other transcripts: non-coding transcript variant (1).
Genome position (GRCh38, 1-based): chr19:5,696,158, A>C on the plus strand (T>G on the coding strand, the complement: LONP1 is on the minus strand). VCF-style: chr19-5696158-A-C. GRCh37 (hg19) VCF-style: chr19-5696169-A-C.
Other names: c.1717T>G, p.Cys573Gly (NM_001276479.2); c.1321T>G, p.Cys441Gly (NM_001276480.1); short protein forms C441G, C573G, C637G.
Identifiers: ClinVar variation 1723641 (VCV001723641.4), dbSNP rs1483311244, ClinGen allele CA403528909.
Genomic context (GRCh38, chr19:5,696,158, plus strand): 5'-TGATCATCTCCATACGGTCTCGCAGCGGCTCGGGGATGGTGTCCGTGACGTTGGCCGTGC[A>C]GATGAACAGCACCTGGGGGCGGCGGCAAGGTGCTGGGGGACTGGCCGCTTACCCTCCCCA-3'
Protein context (NP_004784.2, residues 627-647): PVDLSKVLFI[Cys637Gly]TANVTDTIPE

ClinVar aggregate classification (germline): Uncertain significance. Review status: criteria provided, multiple submitters, no conflicts (2 of 4 stars). 2 submissions from 2 submitters: Uncertain significance (2). Last evaluated 2025-10-01.

Allele frequency attached by ClinVar (database versions not stated): gnomAD exomes below 0.00001.
gnomAD v4.1: 6 of 1,612,950 alleles (0.00037%); highest among the groups gnomAD compares: Middle Eastern, 0.016%; no homozygotes.

Submissions (2):

GeneDx
Classification: Uncertain significance. Last evaluated: 2025-10-01. Review status: criteria provided, single submitter. Criteria: GeneDx Variant Classification Process June 2021. Collection method: clinical testing. Allele origin: germline. Affected: yes.
Comment: Not observed at significant frequency in large population cohorts (gnomAD); In silico analysis supports that this missense variant has a deleterious effect on protein structure/function; Has not been previously published as pathogenic or benign to our knowledge

Labcorp Genetics (formerly Invitae), Labcorp
Classification: Uncertain significance. Last evaluated: 2025-05-01. Review status: criteria provided, single submitter. Criteria: Invitae Variant Classification Sherloc (09022015). Collection method: clinical testing. Allele origin: germline.
Comment: This sequence change replaces cysteine, which is neutral and slightly polar, with glycine, which is neutral and non-polar, at codon 637 of the LONP1 protein (p.Cys637Gly). This variant is present in population databases (no rsID available, gnomAD 0.003%). This variant has not been reported in the literature in individuals affected with LONP1-related conditions. ClinVar contains an entry for this variant (Variation ID: 1723641). Invitae Evidence Modeling of protein sequence and biophysical properties (such as structural, functional, and spatial information, amino acid conservation, physicochemical variation, residue mobility, and thermodynamic stability) has been performed for this missense variant. However, the output from this modeling did not meet the statistical confidence thresholds required to predict the impact of this variant on LONP1 protein function. In summary, the available evidence is currently insufficient to determine the role of this variant in disease. Therefore, it has been classified as a Variant of Uncertain Significance.